The following is an entry in ClinVar:

NM_001145809.2(MYH14):c.1909A>G (p.Ser637Gly)

Gene: MYH14 (myosin heavy chain 14; plus strand). Cytogenetic location: 19q13.33.
Variant type: single nucleotide variant.
Coding change: c.1909A>G on transcript NM_001145809.2 (MANE Select); coding-DNA position 1909, A replaced by G.
Protein change: p.Ser637Gly; replaces serine 637 with glycine.
Molecular consequence: missense variant.
Genome position (GRCh38, 1-based): chr19:50,252,717, A>G. VCF-style: chr19-50252717-A-G. GRCh37 (hg19) VCF-style: chr19-50755974-A-G.
Other names: c.1909A>G, p.Ser637Gly (NM_001077186.2); c.1885A>G, p.Ser629Gly (NM_024729.4); short protein forms S629G, S637G.
Identifiers: ClinVar variation 3643764 (VCV003643764.2).

ClinVar aggregate classification (germline): Uncertain significance (1 of 4 stars; one submission).

gnomAD v4.1: 1 of 1,600,092 alleles (0.000062%); highest among the groups gnomAD compares: Non-Finnish European, 0.000085%; no homozygotes.

Submission:

Labcorp Genetics (formerly Invitae), Labcorp
Classification: Uncertain significance. Last evaluated: 2024-02-29. Review status: criteria provided, single submitter. Criteria: Invitae Variant Classification Sherloc (09022015). Collection method: clinical testing. Allele origin: germline.
Comment: This sequence change replaces serine, which is neutral and polar, with glycine, which is neutral and non-polar, at codon 629 of the MYH14 protein (p.Ser629Gly). This variant is not present in population databases (gnomAD no frequency). This variant has not been reported in the literature in individuals affected with MYH14-related conditions. Advanced modeling of protein sequence and biophysical properties (such as structural, functional, and spatial information, amino acid conservation, physicochemical variation, residue mobility, and thermodynamic stability) performed at Invitae indicates that this missense variant is expected to disrupt MYH14 protein function with a positive predictive value of 80%. In summary, the available evidence is currently insufficient to determine the role of this variant in disease. Therefore, it has been classified as a Variant of Uncertain Significance.